The following is an entry in ClinVar:

ClinVar aggregate classification (germline): Pathogenic (1 of 4 stars; one submission).

Conditions:
Hermansky-Pudlak syndrome 3 (HPS3). Identifiers: Orphanet 231512, Orphanet 79430, MedGen C3888001, MONDO:0013555, OMIM 614072.

Submission:

Myriad Genetics, Inc.
Classification: Pathogenic for Hermansky-Pudlak syndrome 3. Last evaluated: 2026-02-18. Review status: criteria provided, single submitter. Criteria: Myriad Autosomal Dominant, Autosomal Recessive and X-Linked Classification Criteria (2023). Collection method: clinical testing. Allele origin: unknown.
Comment: NM_032383.3(HPS3):c.1819delA(I607Sfs*16) is expected to be pathogenic in the context of Hermansky-Pudlak syndrome, HPS3-related. This variant is predicted to lead to an abnormal or absent protein product due to the creation of a premature termination codon in HPS3, a gene where loss-of-function variants are known to be pathogenic. Please note: this variant was assessed in the context of healthy population screening.

NM_032383.5(HPS3):c.1819del (p.Ile607fs)

Gene: HPS3 (HPS3 biogenesis of lysosomal organelles complex 2 subunit 1; plus strand). Cytogenetic location: 3q24.
Variant type: Deletion.
Coding change: c.1819del on transcript NM_032383.5 (MANE Select); coding-DNA position 1819, one base deleted (A; older notation c.1819delA).
Protein change: p.Ile607fs; shifts the reading frame from isoleucine 607.
Molecular consequence: frameshift variant.
Genome position (GRCh38, 1-based): chr3:149,158,793, A deleted; the last of 2 consecutive A bases (chr3:149,158,792-149,158,793); deleting either gives the same sequence. VCF-style (leftmost placement, unchanged base first): chr3-149158791-TA-T. GRCh37 (hg19) VCF-style: chr3-148876578-TA-T.
Other names: c.1324del, p.Ile442fs (NM_001308258.2); short protein forms I442fs, I607fs.
Identifiers: ClinVar variation 5015569 (VCV005015569.1).